The following is an entry in ClinVar:

NM_033026.6(PCLO):c.14249+2T>A

Gene: PCLO (piccolo presynaptic cytomatrix protein; minus strand). Cytogenetic location: 7q21.11.
Variant type: single nucleotide variant.
Coding change: c.14249+2T>A on transcript NM_033026.6 (MANE Select); the canonical splice donor site of the intron after coding-DNA position 14249, T replaced by A.
Molecular consequence: splice donor variant.
Genome position (GRCh38, 1-based): chr7:82,835,665, A>T on the plus strand (T>A on the coding strand, the complement: PCLO is on the minus strand). VCF-style: chr7-82835665-A-T. GRCh37 (hg19) VCF-style: chr7-82464981-A-T.
Other names: c.14249+2T>A (NM_014510.3).
Identifiers: ClinVar variation 2697192 (VCV002697192.3), dbSNP rs2535297933, ClinGen allele CA368020987.
Genomic context (GRCh38, chr7:82,835,665, plus strand): 5'-TGCCAAAAGTATAATTCAAGACATAGCAGCAGAGCTTGACACTGAAAGAGAAACAACTCT[A>T]CCTTGCATTCTGGACAACCATGACTTGACTGCATTGATTCCAAGAGCGAGAGTGAAGGGG-3'

ClinVar aggregate classification (germline): Likely pathogenic (1 of 4 stars; one submission).

Submission:

Labcorp Genetics (formerly Invitae), Labcorp
Classification: Likely pathogenic. Last evaluated: 2023-11-18. Review status: criteria provided, single submitter. Criteria: Invitae Variant Classification Sherloc (09022015). Collection method: clinical testing. Allele origin: germline.
Comment: This sequence change affects a donor splice site in intron 16 of the PCLO gene. It is expected to disrupt RNA splicing. Variants that disrupt the donor or acceptor splice site typically lead to a loss of protein function (PMID: 16199547), and loss-of-function variants in PCLO are known to be pathogenic (PMID: 25832664, 30287594). This variant is not present in population databases (gnomAD no frequency). This variant has not been reported in the literature in individuals affected with PCLO-related conditions. Algorithms developed to predict the effect of sequence changes on RNA splicing suggest that this variant may disrupt the consensus splice site. In summary, the currently available evidence indicates that the variant is pathogenic, but additional data are needed to prove that conclusively. Therefore, this variant has been classified as Likely Pathogenic.

Literature cited by the submitters: PubMed 16199547; PubMed 25832664; PubMed 30287594.